The following is an entry in ClinVar:

NM_001009999.3(KDM1A):c.688T>G (p.Phe230Val)

Gene: KDM1A (lysine demethylase 1A; plus strand). Cytogenetic location: 1p36.12.
Variant type: single nucleotide variant.
Coding change: c.688T>G on transcript NM_001009999.3 (MANE Select); coding-DNA position 688, T replaced by G.
Protein change: p.Phe230Val; replaces phenylalanine 230 with valine.
Molecular consequence: missense variant.
Genome position (GRCh38, 1-based): chr1:23,050,497, T>G. VCF-style: chr1-23050497-T-G. GRCh37 (hg19) VCF-style: chr1-23376990-T-G.
Other names: c.628T>G, p.Phe210Val (NM_001363654.2, NM_001410763.1, NM_015013.4); c.688T>G, p.Phe230Val (NM_001410762.1); short protein forms F210V, F230V.
Identifiers: ClinVar variation 5023058 (VCV005023058.1).

ClinVar aggregate classification (germline): Uncertain significance (1 of 4 stars; one submission).

Conditions:
Inborn genetic diseases. Identifiers: MedGen C0950123, MeSH D030342.

Submission:

Ambry Genetics
Classification: Uncertain significance for Inborn genetic diseases. Last evaluated: 2026-07-07. Review status: criteria provided, single submitter. Criteria: Ambry Variant Classification Scheme 2023. Collection method: clinical testing. Allele origin: germline.
Comment: The p.F230V variant (also known as c.688T>G), located in coding exon 4 of the KDM1A gene, results from a T to G substitution at nucleotide position 688. The phenylalanine at codon 230 is replaced by valine, an amino acid with highly similar properties. This amino acid position is conserved. In addition, this alteration is predicted to be deleterious by in silico analysis. Based on the available evidence, the clinical significance of this variant remains unclear.